The following is an entry in ClinVar:

ClinVar aggregate classification (germline): Uncertain significance (1 of 4 stars; one submission).

Conditions:
Familial thoracic aortic aneurysm and aortic dissection (TAAD). Also called: Thoracic aortic aneurysms and dissections. Identifiers: Orphanet 91387, MedGen C4707243, MONDO:0019625.

Submission:

Labcorp Genetics (formerly Invitae), Labcorp
Classification: Uncertain significance for Familial thoracic aortic aneurysm and aortic dissection. Last evaluated: 2024-07-05. Review status: criteria provided, single submitter. Criteria: Invitae Variant Classification Sherloc (09022015). Collection method: clinical testing. Allele origin: germline.
Comment: This sequence change replaces proline, which is neutral and non-polar, with serine, which is neutral and polar, at codon 367 of the TGFBR2 protein (p.Pro367Ser). This variant is not present in population databases (gnomAD no frequency). This variant has not been reported in the literature in individuals affected with TGFBR2-related conditions. Advanced modeling of protein sequence and biophysical properties (such as structural, functional, and spatial information, amino acid conservation, physicochemical variation, residue mobility, and thermodynamic stability) performed at Invitae indicates that this missense variant is not expected to disrupt TGFBR2 protein function with a negative predictive value of 95%. In summary, the available evidence is currently insufficient to determine the role of this variant in disease. Therefore, it has been classified as a Variant of Uncertain Significance.

NM_003242.6(TGFBR2):c.1099C>T (p.Pro367Ser)

Gene: TGFBR2 (transforming growth factor beta receptor 2; plus strand). Cytogenetic location: 3p24.1.
Variant type: single nucleotide variant.
Coding change: c.1099C>T on transcript NM_003242.6 (MANE Select); coding-DNA position 1099, C replaced by T.
Protein change: p.Pro367Ser; replaces proline 367 with serine.
Molecular consequence: missense variant. On other transcripts: intron variant (1).
Genome position (GRCh38, 1-based): chr3:30,672,282, C>T. VCF-style: chr3-30672282-C-T. GRCh37 (hg19) VCF-style: chr3-30713774-C-T.
Other names: c.1174C>T, p.Pro392Ser (NM_001024847.3); c.1282C>T, p.Pro428Ser (NM_001407126.1); c.1207C>T, p.Pro403Ser (NM_001407127.1); c.1126C>T, p.Pro376Ser (NM_001407128.1); c.1102C>T, p.Pro368Ser (NM_001407129.1); c.1099C>T, p.Pro367Ser (NM_001407130.1); c.994C>T, p.Pro332Ser (NM_001407132.1, NM_001407133.1, NM_001407134.1 and 2 more transcripts); c.814C>T, p.Pro272Ser (NM_001407137.1); and 2 more; short protein forms P247S, P332S, P367S, P392S, P272S, P368S, P376S, P428S.
Identifiers: ClinVar variation 3695510 (VCV003695510.2).